The following is an entry in ClinVar:

ClinVar aggregate classification (germline): Uncertain significance (1 of 4 stars; one submission).

Conditions:
Brugada syndrome 4 (BRGDA4). Identifiers: Orphanet 130, MedGen C2678477, MONDO:0012743, OMIM 611876.

Submission:

Labcorp Genetics (formerly Invitae), Labcorp
Classification: Uncertain significance for Brugada syndrome 4. Last evaluated: 2022-08-16. Review status: criteria provided, single submitter. Criteria: Invitae Variant Classification Sherloc (09022015). Collection method: clinical testing. Allele origin: germline.
Comment: This sequence change replaces glutamic acid, which is acidic and polar, with alanine, which is neutral and non-polar, at codon 39 of the CACNB2 protein (p.Glu39Ala). This variant is not present in population databases (gnomAD no frequency). This variant has not been reported in the literature in individuals affected with CACNB2-related conditions. ClinVar contains an entry for this variant (Variation ID: 1359220). Algorithms developed to predict the effect of missense changes on protein structure and function (SIFT, PolyPhen-2, Align-GVGD) all suggest that this variant is likely to be disruptive. In summary, the available evidence is currently insufficient to determine the role of this variant in disease. Therefore, it has been classified as a Variant of Uncertain Significance.

NM_201596.3(CACNB2):c.278A>C (p.Glu93Ala)

Gene: CACNB2 (calcium voltage-gated channel auxiliary subunit beta 2; plus strand). Cytogenetic location: 10p12.31.
Variant type: single nucleotide variant.
Coding change: c.278A>C on transcript NM_201596.3 (MANE Select); coding-DNA position 278, A replaced by C.
Protein change: p.Glu93Ala; replaces glutamic acid 93 with alanine.
Molecular consequence: missense variant.
Genome position (GRCh38, 1-based): chr10:18,401,988, A>C. VCF-style: chr10-18401988-A-C. GRCh37 (hg19) VCF-style: chr10-18690917-A-C.
Other names: c.113A>C, p.Glu38Ala (NM_000724.4, NM_001330060.2); c.194A>C, p.Glu65Ala (NM_001167945.2, NM_201571.4, NM_201572.4); c.134A>C, p.Glu45Ala (NM_201570.3); c.116A>C, p.Glu39Ala (NM_201590.3); c.278A>C, p.Glu93Ala (NM_201593.3, NM_201597.3); short protein forms E38A, E93A, E65A, E39A, E45A.
Identifiers: ClinVar variation 1359220 (VCV001359220.6), dbSNP rs2132536672, ClinGen allele CA376219528.